The following is an entry in ClinVar:

ClinVar aggregate classification (germline): Uncertain significance (1 of 4 stars; one submission).

Allele frequency attached by ClinVar (database versions not stated): gnomAD exomes below 0.00001; TOPMed 0.00001.
gnomAD v4.1: 2 of 1,611,754 alleles (0.00012%); highest among the groups gnomAD compares: Admixed American, 0.0017%; no homozygotes.

Submission:

Labcorp Genetics (formerly Invitae), Labcorp
Classification: Uncertain significance. Last evaluated: 2022-05-31. Review status: criteria provided, single submitter. Criteria: Invitae Variant Classification Sherloc (09022015). Collection method: clinical testing. Allele origin: germline.
Comment: This sequence change replaces isoleucine, which is neutral and non-polar, with valine, which is neutral and non-polar, at codon 251 of the SLC39A8 protein (p.Ile251Val). This variant is present in population databases (no rsID available, gnomAD 0.0009%). This variant has not been reported in the literature in individuals affected with SLC39A8-related conditions. Algorithms developed to predict the effect of missense changes on protein structure and function output the following: SIFT: "Tolerated"; PolyPhen-2: "Benign"; Align-GVGD: "Class C0". The valine amino acid residue is found in multiple mammalian species, which suggests that this missense change does not adversely affect protein function. In summary, the available evidence is currently insufficient to determine the role of this variant in disease. Therefore, it has been classified as a Variant of Uncertain Significance.

NM_001135146.2(SLC39A8):c.751A>G (p.Ile251Val)

Gene: SLC39A8 (solute carrier family 39 member 8; minus strand). Cytogenetic location: 4q24.
Variant type: single nucleotide variant.
Coding change: c.751A>G on transcript NM_001135146.2 (MANE Select); coding-DNA position 751, A replaced by G.
Protein change: p.Ile251Val; replaces isoleucine 251 with valine.
Molecular consequence: missense variant.
Genome position (GRCh38, 1-based): chr4:102,304,406, T>C on the plus strand (A>G on the coding strand, the complement: SLC39A8 is on the minus strand). VCF-style: chr4-102304406-T-C. GRCh37 (hg19) VCF-style: chr4-103225563-T-C.
Other names: c.751A>G, p.Ile251Val (NM_001135147.1, NM_022154.5); c.550A>G, p.Ile184Val (NM_001135148.2); short protein forms I184V, I251V.
Identifiers: ClinVar variation 1956343 (VCV001956343.2), dbSNP rs1019622361, ClinGen allele CA102684888.